The following is an entry in ClinVar:

ClinVar aggregate classification (germline): Uncertain significance. Review status: criteria provided, multiple submitters, no conflicts (2 of 4 stars). 2 submissions from 2 submitters: Uncertain significance (2). Last evaluated 2024-03-01.

Conditions:
Lowe syndrome (OCRL). Also called: LOWE OCULOCEREBRORENAL SYNDROME; PHOSPHATIDYLINOSITOL 4,5-BISPHOSPHATE 5-PHOSPHATASE DEFICIENCY; Oculocerebrorenal Syndrome. Identifiers: Orphanet 534, MedGen C0028860, MONDO:0010645, OMIM 309000.

Allele frequency attached by ClinVar (database versions not stated): gnomAD exomes below 0.00001.
gnomAD v4.1: 3 of 1,191,251 alleles (0.00025%); highest among the groups gnomAD compares: East Asian, 0.003%; no homozygotes.

Submissions (2):

CeGaT Center for Human Genetics Tuebingen
Classification: Uncertain significance. Last evaluated: 2024-03-01. Review status: criteria provided, single submitter. Criteria: CeGaT Center For Human Genetics Tuebingen Variant Classification Criteria Version 2. Collection method: clinical testing. Allele origin: germline. Affected: yes. Observed: 1 variant allele.
Comment: OCRL: PM2, BP4

Labcorp Genetics (formerly Invitae), Labcorp
Classification: Uncertain significance for Lowe syndrome. Last evaluated: 2022-10-27. Review status: criteria provided, single submitter. Criteria: Invitae Variant Classification Sherloc (09022015). Collection method: clinical testing. Allele origin: germline.
Comment: This sequence change falls in intron 4 of the OCRL gene. It does not directly change the encoded amino acid sequence of the OCRL protein. It affects a nucleotide within the consensus splice site. This variant is not present in population databases (gnomAD no frequency). This variant has not been reported in the literature in individuals affected with OCRL-related conditions. Variants that disrupt the consensus splice site are a relatively common cause of aberrant splicing (PMID: 17576681, 9536098). Algorithms developed to predict the effect of sequence changes on RNA splicing suggest that this variant is not likely to affect RNA splicing. In summary, the available evidence is currently insufficient to determine the role of this variant in disease. Therefore, it has been classified as a Variant of Uncertain Significance.

Literature cited by the submitters: PubMed 17576681 (cited by Labcorp Genetics (formerly Invitae), Labcorp); PubMed 9536098 (cited by Labcorp Genetics (formerly Invitae), Labcorp).

NM_000276.4(OCRL):c.238+3G>A

Gene: OCRL (OCRL inositol polyphosphate-5-phosphatase; plus strand). Cytogenetic location: Xq26.1.
Variant type: single nucleotide variant.
Coding change: c.238+3G>A on transcript NM_000276.4 (MANE Select); 3 bases into the intron after coding-DNA position 238, G replaced by A.
Molecular consequence: intron variant.
Genome position (GRCh38, 1-based): chrX:129,548,604, G>A. VCF-style: chrX-129548604-G-A. GRCh37 (hg19) VCF-style: chrX-128682581-G-A.
Other names: c.241+3G>A (NM_001318784.2); c.238+3G>A (NM_001587.4).
Identifiers: ClinVar variation 2958565 (VCV002958565.24), dbSNP rs916418013, ClinGen allele CA335079835.
Genomic context (GRCh38, chrX:129,548,604, plus strand): 5'-CTTTTTTTTCCCCTCTCAGAAGCAGAAGAAACTCTTTTGATTGACATAGCTTCTAACAGT[G>A]AGTATCTTTCTGAATGTGCTTGATTTTTACTCAACAAATATTTACTTGAACACTCACTAC-3'